The following is an entry in ClinVar:

ClinVar aggregate classification (germline): Benign. Review status: criteria provided, multiple submitters, no conflicts (2 of 4 stars). 16 submissions from 14 submitters: Benign (11). 5 of the submissions do not count toward it. Last evaluated 2026-02-04.

Conditions:
Dilated cardiomyopathy 1V (CMD1V). Identifiers: Orphanet 154, MedGen C3150958, MONDO:0013373, OMIM 613697.
Alzheimer disease 4 (AD4). Identifiers: Orphanet 1020, MedGen C1847200, MONDO:0011743, OMIM 606889.

Allele frequency attached by ClinVar (database versions not stated): 1000 Genomes Project 0.44329; 1000 Genomes Project 30x 0.44425; TOPMed 0.48280; gnomAD 0.48434 and 0.48630; ESP Exome Variant Server 0.48954; ExAC 0.49948; gnomAD exomes 0.50198 and 0.51411.
gnomAD v4.1: 825,265 of 1,613,682 alleles (51%); highest among the groups gnomAD compares: Middle Eastern, 66%; 213,053 homozygotes.

Submissions (16):

Labcorp Genetics (formerly Invitae), Labcorp
Classification: Benign for Alzheimer disease 4. Last evaluated: 2026-02-04. Review status: criteria provided, single submitter. Criteria: Invitae Variant Classification Sherloc (09022015). Collection method: clinical testing. Allele origin: germline.

ARUP Laboratories, Molecular Genetics and Genomics, ARUP Laboratories
Classification: Benign. Last evaluated: 2025-07-24. Review status: criteria provided, single submitter. Criteria: ARUP Molecular Germline Variant Investigation Process 2024. Collection method: clinical testing. Allele origin: germline.

Mayo Clinic Laboratories, Mayo Clinic
Classification: Benign. Last evaluated: 2023-02-08. Review status: criteria provided, single submitter. Criteria: ACMG Guidelines, 2015. Collection method: clinical testing. Allele origin: germline. Observed: 797 variant alleles.
Comment: BA1, BP4, BP7

Genome-Nilou Lab
Classification: Benign for Alzheimer disease 4. Last evaluated: 2021-10-25. Review status: criteria provided, single submitter. Criteria: ACMG Guidelines, 2015. Collection method: clinical testing. Allele origin: germline. Affected: no.

Genome-Nilou Lab
Classification: Benign for Dilated cardiomyopathy 1V. Last evaluated: 2021-10-25. Review status: criteria provided, single submitter. Criteria: ACMG Guidelines, 2015. Collection method: clinical testing. Allele origin: germline. Affected: no.

GeneDx
Classification: Benign. Last evaluated: 2018-09-16. Review status: criteria provided, single submitter. Criteria: GeneDx Variant Classification Process June 2021. Collection method: clinical testing. Allele origin: germline. Affected: yes.

Illumina Laboratory Services, Illumina
Classification: Benign for Alzheimer disease 4. Last evaluated: 2018-01-13. Review status: criteria provided, single submitter. Criteria: ICSL Variant Classification Criteria 13 December 2019. Collection method: clinical testing. Allele origin: germline.
Comment: This variant was observed in the ICSL laboratory as part of a predisposition screen in an ostensibly healthy population. It had not been previously curated by ICSL or reported in the Human Gene Mutation Database (HGMD: prior to June 1st, 2018), and was therefore a candidate for classification through an automated scoring system. Utilizing variant allele frequency, disease prevalence and penetrance estimates, and inheritance mode, an automated score was calculated to assess if this variant is too frequent to cause the disease. Based on the score and internal cut-off values, a variant classified as benign is not then subjected to further curation. The score for this variant resulted in a classification of benign for this disease.

Illumina Laboratory Services, Illumina
Classification: Benign for Dilated cardiomyopathy 1V. Last evaluated: 2018-01-13. Review status: criteria provided, single submitter. Criteria: ICSL Variant Classification Criteria 13 December 2019. Collection method: clinical testing. Allele origin: germline.
Comment: the same text as in the submission from Illumina Laboratory Services, Illumina above.

Athena Diagnostics
Classification: Benign for Alzheimer disease 4. Last evaluated: 2017-04-25. Review status: criteria provided, single submitter. Criteria: Athena Diagnostics Criteria. Collection method: clinical testing. Allele origin: germline.

Breakthrough Genomics
Classification: Benign. Review status: criteria provided, single submitter. Criteria: ACMG Guidelines, 2015. Collection method: not provided. Allele origin: germline. Inheritance: Autosomal dominant inheritance. Affected: yes.

PreventionGenetics, part of Exact Sciences
Classification: Benign. Review status: criteria provided, single submitter. Criteria: ACMG Guidelines, 2015. Collection method: clinical testing. Allele origin: germline.

Clinical Genetics DNA and cytogenetics Diagnostics Lab, Erasmus MC, Erasmus Medical Center
Classification: Benign. Review status: no assertion criteria provided. Collection method: clinical testing. Allele origin: germline. Affected: yes. Study: VKGL Data-share Consensus. Not counted in ClinVar's aggregate classification.

Clinical Genetics, Academic Medical Center
Classification: Benign. Review status: no assertion criteria provided. Collection method: clinical testing. Allele origin: germline. Affected: yes. Study: VKGL Data-share Consensus. Not counted in ClinVar's aggregate classification.

Diagnostic Laboratory, Department of Genetics, University Medical Center Groningen
Classification: Benign. Review status: no assertion criteria provided. Collection method: clinical testing. Allele origin: germline. Affected: yes. Study: VKGL Data-share Consensus. Not counted in ClinVar's aggregate classification.

Genome Diagnostics Laboratory, Amsterdam University Medical Center
Classification: Benign. Review status: no assertion criteria provided. Collection method: clinical testing. Allele origin: germline. Affected: yes. Study: VKGL Data-share Consensus. Not counted in ClinVar's aggregate classification.

Joint Genome Diagnostic Labs from Nijmegen and Maastricht, Radboudumc and MUMC+
Classification: Benign. Review status: no assertion criteria provided. Collection method: clinical testing. Allele origin: germline. Affected: yes. Study: VKGL Data-share Consensus. Not counted in ClinVar's aggregate classification.

Literature cited by the submitters: PubMed 33769986 (cited by Mayo Clinic Laboratories, Mayo Clinic).

NM_000447.3(PSEN2):c.129C>T (p.Asn43=)

Gene: PSEN2 (presenilin 2; plus strand). Cytogenetic location: 1q42.13.
Variant type: single nucleotide variant.
Coding change: c.129C>T on transcript NM_000447.3 (MANE Select); coding-DNA position 129, C replaced by T.
Protein change: p.Asn43=; no amino-acid change (asparagine 43 retained).
Molecular consequence: synonymous variant.
Genome position (GRCh38, 1-based): chr1:226,882,036, C>T. VCF-style: chr1-226882036-C-T. GRCh37 (hg19) VCF-style: chr1-227069737-C-T.
Other names: p.Asn43=; c.129C>T, p.Asn43= (NM_012486.3).
Identifiers: ClinVar variation 256180 (VCV000256180.41), dbSNP rs6759, ClinGen allele CA1424393.